The following is an entry in ClinVar:

ClinVar aggregate classification (germline): Pathogenic (1 of 4 stars; one submission).

Conditions:
Mucopolysaccharidosis, MPS-II (MPS2). Also called: Hunter Syndrome; IDURONATE 2-SULFATASE DEFICIENCY; Mucopolysaccharidosis Type II; Mucopolysaccharidosis type 2; Attenuated MPS (subtype; formerly known as mild MPS II); Severe MPS II. Identifiers: Orphanet 580, Orphanet 79388, MedGen C0026705, MONDO:0010674, OMIM 309900.

Submission:

Laboratory of Diagnosis and Therapy of Lysosomal Disorders, University of Padova
Classification: Pathogenic for Mucopolysaccharidosis, MPS-II. Last evaluated: 2024-06-07. Review status: criteria provided, single submitter. Criteria: ACMG Guidelines, 2015. Collection method: literature only. Allele origin: germline. Affected: yes. Observed: 3 variant alleles.
Comment: Null variant (PVS1_VeryStrong), De novo (PS2_Moderate), Absent from controls (or at low frequency) in gnomAD database (PM2_Moderate), Patient’s phenotype or family history highly specific for the disease (PP4_Strong)

Classification method: ACMG Guidelines [PMID:25741868] with modifications

Literature cited by the submitters: PubMed 17063374; PubMed 33176815; PubMed 36945845.

NM_000202.8(IDS):c.418+1G>A

Gene: IDS (iduronate 2-sulfatase; minus strand). Cytogenetic location: Xq28.
Variant type: single nucleotide variant.
Coding change: c.418+1G>A on transcript NM_000202.8 (MANE Select); the canonical splice donor site of the intron after coding-DNA position 418, G replaced by A.
Molecular consequence: splice donor variant.
Genome position (GRCh38, 1-based): chrX:149,503,311, C>T on the plus strand (G>A on the coding strand, the complement: IDS is on the minus strand). VCF-style: chrX-149503311-C-T. GRCh37 (hg19) VCF-style: chrX-148584841-C-T.
Other names: c.148+1G>A (NM_001166550.4); c.418+1G>A (NM_006123.5).
Identifiers: ClinVar variation 3255715 (VCV003255715.2).